The following is an entry in ClinVar:

ClinVar aggregate classification (germline): Likely pathogenic (1 of 4 stars; one submission).

Conditions:
Neurodevelopmental disorder with language impairment and behavioral abnormalities. Also called: GRIA2-related neurodevelopmental disorder. Identifiers: MedGen C5394502, MONDO:0030060, OMIM 618917.

Submission:

SIB Swiss Institute of Bioinformatics
Classification: Likely pathogenic for Neurodevelopmental disorder with language impairment and behavioral abnormalities. Last evaluated: 2021-04-01. Review status: criteria provided, single submitter. Criteria: ACMG Guidelines, 2015. Collection method: curation. Allele origin: unknown.
Comment: This variant is interpreted as a likely pathogenic for Neurodevelopmental disorder with language impairment and behavioral abnormalities, autosomal dominant. The following ACMG Tag(s) were applied: Absent from controls (or at extremely low frequency if recessive) in Exome Sequencing Project, 1000 Genomes Project, or Exome Aggregation Consortium (PM2); De novo (paternity and maternity confirmed) (PS2 downgraded to moderate); Missense variant in a gene that has a low rate of benign missense variation and in which missense variants are a common mechanism of disease (PP2); Well-established functional studies show a deleterious effect (PS3 downgraded to supporting).

Literature cited by the submitters: PubMed 31300657.

NM_001083619.3(GRIA2):c.1819C>G (p.Gln607Glu)

Gene: GRIA2 (glutamate ionotropic receptor AMPA type subunit 2; plus strand). Cytogenetic location: 4q32.1.
Variant type: single nucleotide variant.
Coding change: c.1819C>G on transcript NM_001083619.3 (MANE Select); coding-DNA position 1819, C replaced by G.
Protein change: p.Gln607Glu; replaces glutamine 607 with glutamic acid.
Molecular consequence: missense variant.
Genome position (GRCh38, 1-based): chr4:157,336,722, C>G. VCF-style: chr4-157336722-C-G. GRCh37 (hg19) VCF-style: chr4-158257874-C-G.
Other names: c.1819C>G, p.Gln607Glu (NM_000826.6); c.1678C>G, p.Gln560Glu (NM_001083620.3, NM_001379000.3, NM_001379001.3); short protein forms Q560E, Q607E.
Identifiers: ClinVar variation 1064413 (VCV001064413.1), dbSNP rs2126940512, ClinGen allele CA358648671.
Genomic context (GRCh38, chr4:157,336,722, plus strand): 5'-GAATCAACTAATGAATTTGGGATTTTTAATAGTCTCTGGTTTTCCTTGGGTGCCTTTATG[C>G]AGCAAGGATGCGATATTTCGCCAAGGTTGGTTACTCACCTGCTTCAACTTTGTGCATTTC-3'
Protein context (NP_001077088.2, residues 597-617): SLWFSLGAFM[Gln607Glu]QGCDISPRSL